The following is an entry in ClinVar:

NM_000540.3(RYR1):c.13356C>G (p.Gly4452=)

Gene: RYR1 (ryanodine receptor 1; plus strand). Cytogenetic location: 19q13.2.
Variant type: single nucleotide variant.
Coding change: c.13356C>G on transcript NM_000540.3 (MANE Select); coding-DNA position 13356, C replaced by G.
Protein change: p.Gly4452=; no amino-acid change (glycine 4452 retained).
Molecular consequence: synonymous variant.
Genome position (GRCh38, 1-based): chr19:38,565,690, C>G. VCF-style: chr19-38565690-C-G. GRCh37 (hg19) VCF-style: chr19-39056330-C-G.
Other names: c.13341C>G, p.Gly4447= (NM_001042723.2).
Identifiers: ClinVar variation 1548179 (VCV001548179.31), dbSNP rs1228185652, ClinGen allele CA507244031.

ClinVar aggregate classification (germline): Likely benign. Review status: criteria provided, multiple submitters, no conflicts (2 of 4 stars). 3 submissions from 3 submitters: Likely benign (3). Last evaluated 2024-09-28.

Conditions:
RYR1-related disorder. Also called: RYR1-related condition; RYR1-related disorders. Identifiers: MedGen CN239331.

gnomAD v4.1: 3 of 1,409,254 alleles (0.00021%); highest among the groups gnomAD compares: Non-Finnish European, 0.00028%; no homozygotes.

Submissions (3):

Labcorp Genetics (formerly Invitae), Labcorp
Classification: Likely benign for RYR1-related disorder. Last evaluated: 2024-09-28. Review status: criteria provided, single submitter. Criteria: Invitae Variant Classification Sherloc (09022015). Collection method: clinical testing. Allele origin: germline.

Blueprint Genetics
Classification: Likely benign. Last evaluated: 2024-03-04. Review status: criteria provided, single submitter. Criteria: ACMG Guidelines, 2015. Collection method: clinical testing. Allele origin: germline.

CeGaT Center for Human Genetics Tuebingen
Classification: Likely benign. Last evaluated: 2024-02-01. Review status: criteria provided, single submitter. Criteria: CeGaT Center For Human Genetics Tuebingen Variant Classification Criteria Version 2. Collection method: clinical testing. Allele origin: germline. Affected: yes. Observed: 1 variant allele.
Comment: RYR1: PM2:Supporting, BP4, BP7